The following is an entry in ClinVar:

ClinVar aggregate classification (germline): Uncertain significance (1 of 4 stars; one submission).

Allele frequency attached by ClinVar (database versions not stated): gnomAD exomes below 0.00001; gnomAD 0.00001.

Submission:

GeneDx
Classification: Uncertain significance. Last evaluated: 2022-11-21. Review status: criteria provided, single submitter. Criteria: GeneDx Variant Classification Process June 2021. Collection method: clinical testing. Allele origin: germline. Affected: yes.
Comment: Not observed at significant frequency in large population cohorts (gnomAD); Has not been previously published as pathogenic or benign to our knowledge; Initiation codon variant in a gene with nearby downstream in-frame ATG that may result in an alternate functional protein, although in the absence of functional evidence the actual effect of this sequence change is unknown

NM_020922.5(WNK3):c.1A>G (p.Met1Val)

Gene: WNK3 (WNK lysine deficient protein kinase 3; minus strand). Cytogenetic location: Xp11.22.
Variant type: single nucleotide variant.
Coding change: c.1A>G on transcript NM_020922.5 (MANE Select); coding-DNA position 1, A replaced by G.
Protein change: p.Met1Val; changes the start codon (methionine 1).
Molecular consequence: missense variant, initiator codon variant.
Genome position (GRCh38, 1-based): chrX:54,333,673, T>C on the plus strand (A>G on the coding strand, the complement: WNK3 is on the minus strand). VCF-style: chrX-54333673-T-C. GRCh37 (hg19) VCF-style: chrX-54360106-T-C.
Other names: c.1A>G, p.Met1Val (NM_001002838.4, NM_001395166.1); short protein forms M1V.
Identifiers: ClinVar variation 2503142 (VCV002503142.2), dbSNP rs2069199073, ClinGen allele CA413353567.